The following is an entry in ClinVar:

ClinVar aggregate classification (germline): Uncertain significance. Review status: criteria provided, multiple submitters, no conflicts (2 of 4 stars). 2 submissions from 2 submitters: Uncertain significance (2). Last evaluated 2025-08-12.

Conditions:
Inborn genetic diseases. Identifiers: MedGen C0950123, MeSH D030342.

Allele frequency attached by ClinVar (database versions not stated): ExAC 0.00001; gnomAD 0.00001; TOPMed 0.00001.
gnomAD v4.1: 23 of 1,613,670 alleles (0.0014%); highest among the groups gnomAD compares: Non-Finnish European, 0.0019%; no homozygotes.

Submissions (2):

Ambry Genetics
Classification: Uncertain significance for Inborn genetic diseases. Last evaluated: 2025-08-12. Review status: criteria provided, single submitter. Criteria: Ambry Variant Classification Scheme 2023. Collection method: clinical testing. Allele origin: germline.

Labcorp Genetics (formerly Invitae), Labcorp
Classification: Uncertain significance. Last evaluated: 2022-05-22. Review status: criteria provided, single submitter. Criteria: Invitae Variant Classification Sherloc (09022015). Collection method: clinical testing. Allele origin: germline.
Comment: This sequence change replaces valine, which is neutral and non-polar, with methionine, which is neutral and non-polar, at codon 298 of the SLC26A3 protein (p.Val298Met). This variant is present in population databases (rs752002517, gnomAD 0.003%). This variant has not been reported in the literature in individuals affected with SLC26A3-related conditions. Algorithms developed to predict the effect of missense changes on protein structure and function are either unavailable or do not agree on the potential impact of this missense change (SIFT: "Deleterious"; PolyPhen-2: "Probably Damaging"; Align-GVGD: "Class C0"). In summary, the available evidence is currently insufficient to determine the role of this variant in disease. Therefore, it has been classified as a Variant of Uncertain Significance.

NM_000111.3(SLC26A3):c.892G>A (p.Val298Met)

Gene: SLC26A3 (solute carrier family 26 member 3; minus strand). Cytogenetic location: 7q22.3.
Variant type: single nucleotide variant.
Coding change: c.892G>A on transcript NM_000111.3 (MANE Select); coding-DNA position 892, G replaced by A.
Protein change: p.Val298Met; replaces valine 298 with methionine.
Molecular consequence: missense variant.
Genome position (GRCh38, 1-based): chr7:107,786,906, C>T on the plus strand (G>A on the coding strand, the complement: SLC26A3 is on the minus strand). VCF-style: chr7-107786906-C-T. GRCh37 (hg19) VCF-style: chr7-107427351-C-T.
Other names: short protein forms V298M.
Identifiers: ClinVar variation 1895519 (VCV001895519.3), dbSNP rs752002517, ClinGen allele CA4433996.